The following is an entry in ClinVar:

ClinVar aggregate classification (germline): Likely benign. Review status: criteria provided, multiple submitters, no conflicts (2 of 4 stars). 3 submissions from 3 submitters: Likely benign (3). Last evaluated 2025-12-10.

Conditions:
MERTK-related disorder. Also called: MERTK-related condition.

Allele frequency attached by ClinVar (database versions not stated): gnomAD exomes 0.00006; ExAC 0.00009; ESP Exome Variant Server 0.00015; TOPMed 0.00026; gnomAD 0.00032; 1000 Genomes Project 0.00100; 1000 Genomes Project 30x 0.00109.
gnomAD v4.1: 76 of 1,614,104 alleles (0.0047%); highest among the groups gnomAD compares: African/African-American, 0.079%; no homozygotes.

Submissions (3):

PreventionGenetics, part of Exact Sciences
Classification: Likely benign for MERTK-related condition. Last evaluated: 2025-12-10. Review status: criteria provided, single submitter. Criteria: ACMG Guidelines, 2015. Collection method: clinical testing. Allele origin: germline.
Comment: This variant is classified as likely benign based on ACMG/AMP sequence variant interpretation guidelines (Richards et al. 2015 PMID: 25741868, with internal and published modifications).

Labcorp Genetics (formerly Invitae), Labcorp
Classification: Likely benign. Last evaluated: 2024-02-17. Review status: criteria provided, single submitter. Criteria: Invitae Variant Classification Sherloc (09022015). Collection method: clinical testing. Allele origin: germline.

Blueprint Genetics
Classification: Likely benign. Last evaluated: 2022-06-17. Review status: criteria provided, single submitter. Criteria: ACMG Guidelines, 2015. Collection method: clinical testing. Allele origin: germline.

NM_006343.3(MERTK):c.2874G>A (p.Pro958=)

Gene: MERTK (MER proto-oncogene, tyrosine kinase; plus strand). Cytogenetic location: 2q13.
Variant type: single nucleotide variant.
Coding change: c.2874G>A on transcript NM_006343.3 (MANE Select); coding-DNA position 2874, G replaced by A.
Protein change: p.Pro958=; no amino-acid change (proline 958 retained).
Molecular consequence: synonymous variant.
Genome position (GRCh38, 1-based): chr2:112,028,738, G>A. VCF-style: chr2-112028738-G-A. GRCh37 (hg19) VCF-style: chr2-112786315-G-A.
Other names: c.2874G>A (NM_006343.2).
Identifiers: ClinVar variation 1079392 (VCV001079392.11), dbSNP rs144406499, ClinGen allele CA1831994.